The following is an entry in ClinVar:

ClinVar aggregate classification (germline): Uncertain significance. Review status: criteria provided, multiple submitters, no conflicts (2 of 4 stars). 5 submissions from 5 submitters: Uncertain significance (5). Last evaluated 2025-12-15.

Conditions:
Hereditary cancer-predisposing syndrome. Also called: Hereditary neoplastic syndrome; Neoplastic Syndromes, Hereditary; Hereditary Cancer Syndrome; Tumor predisposition. Identifiers: Orphanet 140162, MedGen C0027672, MeSH D009386, MONDO:0015356.
Hereditary diffuse gastric adenocarcinoma (HDGC). Also called: DIFFUSE GASTRIC AND LOBULAR BREAST CANCER SYNDROME. Identifiers: Orphanet 26106, MedGen C1708349, MONDO:0007648, OMIM 137215.

Allele frequency attached by ClinVar (database versions not stated): gnomAD exomes below 0.00001 and 0.00001; gnomAD 0.00001; TOPMed 0.00001.
gnomAD v4.1: 4 of 1,609,504 alleles (0.00025%); highest among the groups gnomAD compares: Non-Finnish European, 0.00026%; no homozygotes.

Submissions (5):

Ambry Genetics
Classification: Uncertain significance for Hereditary cancer-predisposing syndrome. Last evaluated: 2025-12-15. Review status: criteria provided, single submitter. Criteria: Ambry Variant Classification Scheme 2023. Collection method: clinical testing. Allele origin: germline.
Comment: The p.P735R variant (also known as c.2204C>G), located in coding exon 15 of the CTNNA1 gene, results from a C to G substitution at nucleotide position 2204. The proline at codon 735 is replaced by arginine, an amino acid with dissimilar properties. This amino acid position is highly conserved in available vertebrate species. In addition, this alteration is predicted to be deleterious by in silico analysis. Based on the available evidence, the clinical significance of this variant remains unclear.

Labcorp Genetics (formerly Invitae), Labcorp
Classification: Uncertain significance. Last evaluated: 2025-11-22. Review status: criteria provided, single submitter. Criteria: Invitae Variant Classification Sherloc (09022015). Collection method: clinical testing. Allele origin: germline.
Comment: This sequence change replaces proline, which is neutral and non-polar, with arginine, which is basic and polar, at codon 735 of the CTNNA1 protein (p.Pro735Arg). This variant is present in population databases (no rsID available, gnomAD 0.002%). This missense change has been observed in individual(s) with autosomal dominant retinal dystrophy (internal data). ClinVar contains an entry for this variant (Variation ID: 409006). Invitae Evidence Modeling of protein sequence and biophysical properties (such as structural, functional, and spatial information, amino acid conservation, physicochemical variation, residue mobility, and thermodynamic stability) indicates that this missense variant is not expected to disrupt CTNNA1 protein function with a negative predictive value of 80%. In summary, the available evidence is currently insufficient to determine the role of this variant in disease. Therefore, it has been classified as a Variant of Uncertain Significance.

St. Jude Molecular Pathology, St. Jude Children's Research Hospital
Classification: Uncertain significance for Hereditary diffuse gastric adenocarcinoma. Last evaluated: 2024-08-20. Review status: criteria provided, single submitter. Criteria: St. Jude Assertion Criteria 2020. Collection method: clinical testing. Allele origin: germline.
Comment: The CTNNA1 c.2204C>G (p.Pro735Arg) missense change has a maximum subpopulation frequency of 0.002% in gnomAD v2.1.1. The in silico tool REVEL is inconclusive about a pathogenic or benign effect of this variant on protein function, and to our knowledge functional studies have not been performed. To our knowledge, this variant has not been reported in individuals with CTNNA1-related disease. In summary, the evidence currently available is insufficient to determine the clinical significance of this variant. It has therefore been classified as of uncertain significance.

GeneDx
Classification: Uncertain significance. Last evaluated: 2024-01-31. Review status: criteria provided, single submitter. Criteria: GeneDx Variant Classification Process June 2021. Collection method: clinical testing. Allele origin: germline. Affected: yes.
Comment: Not observed at significant frequency in large population cohorts (gnomAD); In silico analysis supports that this missense variant has a deleterious effect on protein structure/function; Has not been previously published as pathogenic or benign to our knowledge; This variant is associated with the following publications: (PMID: 32051609)

Blueprint Genetics
Classification: Uncertain significance. Last evaluated: 2022-11-14. Review status: criteria provided, single submitter. Criteria: ACMG Guidelines, 2015. Collection method: clinical testing. Allele origin: germline.

Literature cited by the submitters: PubMed 32051609 (cited by Ambry Genetics).

NM_001903.5(CTNNA1):c.2204C>G (p.Pro735Arg)

Gene: CTNNA1 (catenin alpha 1; plus strand). Cytogenetic location: 5q31.2.
Variant type: single nucleotide variant.
Coding change: c.2204C>G on transcript NM_001903.5 (MANE Select); coding-DNA position 2204, C replaced by G.
Protein change: p.Pro735Arg; replaces proline 735 with arginine.
Molecular consequence: missense variant.
Genome position (GRCh38, 1-based): chr5:138,930,841, C>G. VCF-style: chr5-138930841-C-G. GRCh37 (hg19) VCF-style: chr5-138266530-C-G.
Other names: c.2204C>G, p.Pro735Arg (NM_001290307.3, NM_001323982.2, NM_001323983.1 and 2 more transcripts); c.1895C>G, p.Pro632Arg (NM_001290309.3); c.1835C>G, p.Pro612Arg (NM_001290310.3); c.1094C>G, p.Pro365Arg (NM_001290312.1, NM_001323987.1, NM_001323988.1 and 17 more transcripts); c.2111C>G, p.Pro704Arg (NM_001323986.2); c.755C>G, p.Pro252Arg (NM_001324006.1, NM_001324007.1, NM_001324008.1 and 2 more transcripts); c.1001C>G, p.Pro334Arg (NM_001324011.1); c.851C>G, p.Pro284Arg (NM_001324012.1, NM_001324013.1); short protein forms P735R, P334R, P704R, P252R, P284R, P365R, P612R, P632R.
Identifiers: ClinVar variation 409006 (VCV000409006.18), dbSNP rs1022043882, ClinGen allele CA16611789.